The following is an entry in ClinVar:

ClinVar aggregate classification (germline): Uncertain significance (1 of 4 stars; one submission).

Conditions:
Parkinsonian-pyramidal syndrome. Also called: PARKINSON DISEASE 15, AUTOSOMAL RECESSIVE; PALLIDOPYRAMIDAL SYNDROME; PARKINSON DISEASE 15, AUTOSOMAL RECESSIVE EARLY-ONSET. Identifiers: Orphanet 171695, MedGen C1850100, MONDO:0009830, OMIM 260300.

gnomAD v4.1: 3 of 1,608,242 alleles (0.00019%); highest among the groups gnomAD compares: Non-Finnish European, 0.00026%; no homozygotes.

Submission:

Labcorp Genetics (formerly Invitae), Labcorp
Classification: Uncertain significance for Parkinsonian-pyramidal syndrome. Last evaluated: 2025-10-02. Review status: criteria provided, single submitter. Criteria: Invitae Variant Classification Sherloc (09022015). Collection method: clinical testing. Allele origin: germline.
Comment: This sequence change replaces phenylalanine, which is neutral and non-polar, with leucine, which is neutral and non-polar, at codon 284 of the FBXO7 protein (p.Phe284Leu). This variant is not present in population databases (gnomAD no frequency). This variant has not been reported in the literature in individuals affected with FBXO7-related conditions. ClinVar contains an entry for this variant (Variation ID: 3618532). Invitae Evidence Modeling of protein sequence and biophysical properties (such as structural, functional, and spatial information, amino acid conservation, physicochemical variation, residue mobility, and thermodynamic stability) indicates that this missense variant is not expected to disrupt FBXO7 protein function with a negative predictive value of 80%. In summary, the available evidence is currently insufficient to determine the role of this variant in disease. Therefore, it has been classified as a Variant of Uncertain Significance.

NM_012179.4(FBXO7):c.850T>C (p.Phe284Leu)

Gene: FBXO7 (F-box protein 7; plus strand). Cytogenetic location: 22q12.3.
Variant type: single nucleotide variant.
Coding change: c.850T>C on transcript NM_012179.4 (MANE Select); coding-DNA position 850, T replaced by C.
Protein change: p.Phe284Leu; replaces phenylalanine 284 with leucine.
Molecular consequence: missense variant.
Genome position (GRCh38, 1-based): chr22:32,487,807, T>C. VCF-style: chr22-32487807-T-C. GRCh37 (hg19) VCF-style: chr22-32883794-T-C.
Other names: c.613T>C, p.Phe205Leu (NM_001033024.2); c.508T>C, p.Phe170Leu (NM_001257990.2); short protein forms F170L, F205L, F284L.
Identifiers: ClinVar variation 3618532 (VCV003618532.2).